The following is an entry in ClinVar:

NM_001379210.1(SLC25A26):c.191-1G>T

Gene: SLC25A26 (solute carrier family 25 member 26; plus strand). Cytogenetic location: 3p14.1.
Variant type: single nucleotide variant.
Coding change: c.191-1G>T on transcript NM_001379210.1 (MANE Select); the canonical splice acceptor site of the intron before coding-DNA position 191, G replaced by T.
Molecular consequence: splice acceptor variant.
Genome position (GRCh38, 1-based): chr3:66,243,202, G>T. VCF-style: chr3-66243202-G-T. GRCh37 (hg19) VCF-style: chr3-66293626-G-T.
Other names: c.191-1G>T (NM_173471.4, NM_001400705.1, NM_001400707.1); c.-74-1G>T (NM_001350993.1, NM_001164796.1, NM_001400711.1 and 2 more transcripts).
Identifiers: ClinVar variation 2637850 (VCV002637850.1), dbSNP rs1316228094, ClinGen allele CA2483626.
Genomic context (GRCh38, chr3:66,243,202, plus strand): 5'-TTCTTAACAGTGTGAATATATGTTTAAACTTTGTGAAAGACTGGCTTGTTTTAAATTTCA[G>T]CTGCTGCATTTTTTATCACCTATGAATATGTGAAGTGGTTTTTGCATGCTGATTCATCTT-3'

ClinVar aggregate classification (germline): Likely pathogenic (1 of 4 stars; one submission).

Conditions:
Combined oxidative phosphorylation deficiency 28 (COXPD28). Identifiers: Orphanet 466784, MedGen C5569081, MONDO:0014775, OMIM 616794.

Allele frequency attached by ClinVar (database versions not stated): ExAC 0.00001; gnomAD 0.00001; TOPMed 0.00002.
gnomAD v4.1: 9 of 1,552,462 alleles (0.00058%); highest among the groups gnomAD compares: Non-Finnish European, 0.00062%; no homozygotes.

Submission:

Women's Health and Genetics/Laboratory Corporation of America, LabCorp
Classification: Likely pathogenic for Combined oxidative phosphorylation deficiency 28. Last evaluated: 2023-10-20. Review status: criteria provided, single submitter. Criteria: LabCorp Variant Classification Summary - May 2015. Collection method: clinical testing. Allele origin: germline.
Comment: Variant summary: SLC25A26 c.191-1G>T is located in a canonical splice-site and is predicted to affect mRNA splicing resulting in a significantly altered protein due to either exon skipping, shortening, or inclusion of intronic material. Three computational tools predict a significant impact on normal splicing, suggesting the variant abolishes a canonical 3' splicing acceptor site. However, these predictions have yet to be confirmed by functional studies. The variant allele was found at a frequency of 4.1e-06 in 242466 control chromosomes (gnomAD). To our knowledge, no occurrence of c.191-1G>T in individuals affected with Combined Oxidative Phosphorylation Deficiency 28 and no experimental evidence demonstrating its impact on protein function have been reported. No submitters have cited clinical-significance assessments for this variant to ClinVar after 2014. Based on the evidence outlined above, the variant was classified as likely pathogenic.